The following is an entry in ClinVar:

NM_001999.4(FBN2):c.3776A>T (p.Asn1259Ile)

Gene: FBN2 (fibrillin 2; minus strand). Cytogenetic location: 5q23.3.
Variant type: single nucleotide variant.
Coding change: c.3776A>T on transcript NM_001999.4 (MANE Select); coding-DNA position 3776, A replaced by T.
Protein change: p.Asn1259Ile; replaces asparagine 1259 with isoleucine.
Molecular consequence: missense variant.
Genome position (GRCh38, 1-based): chr5:128,335,526, T>A on the plus strand (A>T on the coding strand, the complement: FBN2 is on the minus strand). VCF-style: chr5-128335526-T-A. GRCh37 (hg19) VCF-style: chr5-127671218-T-A.
Other names: short protein forms N1259I.
Identifiers: ClinVar variation 528415 (VCV000528415.9), dbSNP rs1554122848, ClinGen allele CA360758048.
Genomic context (GRCh38, chr5:128,335,526, plus strand): 5'-CTCCCATCTGGCATCAGGGCATAACCCTCACTGCAGCTGCATTCGTAGCTTCCCTCTGAA[T>A]TTGTGCACTGGGTGTCACAGCCTCCGTTCATTATCATACATTCATCAATATCTGTGAAAA-3'
Protein context (NP_001990.2, residues 1249-1269): MNGGCDTQCT[Asn1259Ile]SEGSYECSCS

ClinVar aggregate classification (germline): Uncertain significance (1 of 4 stars; one submission).

Conditions:
Congenital contractural arachnodactyly (CCA). Also called: Beals-Hecht syndrome; BEALS SYNDROME; Arthrogryposis, distal, type 9. Identifiers: Orphanet 115, MedGen C0220668, MONDO:0007363, OMIM 121050.

Submission:

Labcorp Genetics (formerly Invitae), Labcorp
Classification: Uncertain significance for Congenital contractural arachnodactyly. Last evaluated: 2018-01-23. Review status: criteria provided, single submitter. Criteria: Invitae Variant Classification Sherloc (09022015). Collection method: clinical testing. Allele origin: germline.
Comment: Algorithms developed to predict the effect of missense changes on protein structure and function (SIFT, PolyPhen-2, Align-GVGD) all suggest that this variant is likely to be disruptive, but these predictions have not been confirmed by published functional studies and their clinical significance is uncertain. In summary, the available evidence is currently insufficient to determine the role of this variant in disease. Therefore, it has been classified as a Variant of Uncertain Significance. This variant has not been reported in the literature in individuals with FBN2-related disease. This variant is not present in population databases (ExAC no frequency). This sequence change replaces asparagine with isoleucine at codon 1259 of the FBN2 protein (p.Asn1259Ile). The asparagine residue is highly conserved and there is a large physicochemical difference between asparagine and isoleucine.